The following is an entry in ClinVar:

ClinVar aggregate classification (germline): Uncertain significance. Review status: criteria provided, multiple submitters, no conflicts (2 of 4 stars). 2 submissions from 2 submitters: Uncertain significance (2). Last evaluated 2025-05-01.

Conditions:
Anemia, congenital dyserythropoietic, type 1a (CDAN1A). Also called: DYSERYTHROPOIETIC ANEMIA, CONGENITAL, TYPE Ia; CDAN1-Related Congenital Dyserythropoietic Anemia. Identifiers: MedGen C5574667, MONDO:0009135, OMIM 224120.

Allele frequency attached by ClinVar (database versions not stated): gnomAD exomes below 0.00001; TOPMed below 0.00001; gnomAD 0.00001.

Submissions (2):

Labcorp Genetics (formerly Invitae), Labcorp
Classification: Uncertain significance. Last evaluated: 2025-05-01. Review status: criteria provided, single submitter. Criteria: Invitae Variant Classification Sherloc (09022015). Collection method: clinical testing. Allele origin: germline.
Comment: This sequence change replaces asparagine, which is neutral and polar, with serine, which is neutral and polar, at codon 786 of the CDAN1 protein (p.Asn786Ser). This variant is present in population databases (no rsID available, gnomAD 0.003%). This variant has not been reported in the literature in individuals affected with CDAN1-related conditions. ClinVar contains an entry for this variant (Variation ID: 2688732). An algorithm developed to predict the effect of missense changes on protein structure and function outputs the following: PolyPhen-2: "Benign". The serine amino acid residue is found in multiple mammalian species, which suggests that this missense change does not adversely affect protein function. Algorithms developed to predict the effect of sequence changes on RNA splicing suggest that this variant may create or strengthen a splice site. In summary, the available evidence is currently insufficient to determine the role of this variant in disease. Therefore, it has been classified as a Variant of Uncertain Significance.

Revvity Omics, Revvity
Classification: Uncertain significance for Anemia, congenital dyserythropoietic, type 1a. Last evaluated: 2023-04-26. Review status: criteria provided, single submitter. Criteria: ACMG Guidelines, 2015. Collection method: clinical testing. Allele origin: germline.

NM_138477.4(CDAN1):c.2357A>G (p.Asn786Ser)

Gene: CDAN1 (codanin 1; minus strand). Cytogenetic location: 15q15.2.
Variant type: single nucleotide variant.
Coding change: c.2357A>G on transcript NM_138477.4 (MANE Select); coding-DNA position 2357, A replaced by G.
Protein change: p.Asn786Ser; replaces asparagine 786 with serine.
Molecular consequence: missense variant.
Genome position (GRCh38, 1-based): chr15:42,729,618, T>C on the plus strand (A>G on the coding strand, the complement: CDAN1 is on the minus strand). VCF-style: chr15-42729618-T-C. GRCh37 (hg19) VCF-style: chr15-43021816-T-C.
Other names: short protein forms N786S.
Identifiers: ClinVar variation 2688732 (VCV002688732.5), dbSNP rs1566982883, ClinGen allele CA392039302.